The following is an entry in ClinVar:

ClinVar aggregate classification (germline): Pathogenic (1 of 4 stars; one submission).

Conditions:
Hereditary cancer-predisposing syndrome. Also called: Neoplastic Syndromes, Hereditary; Hereditary neoplastic syndrome; Tumor predisposition; Hereditary Cancer Syndrome. Identifiers: Orphanet 140162, MedGen C0027672, MeSH D009386, MONDO:0015356.

Submission:

Ambry Genetics
Classification: Pathogenic for Hereditary cancer-predisposing syndrome. Last evaluated: 2026-01-22. Review status: criteria provided, single submitter. Criteria: Ambry Variant Classification Scheme 2023. Collection method: clinical testing. Allele origin: germline.
Comment: The p.L688R pathogenic mutation (also known as c.2063T>G), located in coding exon 20 of the RB1 gene, results from a T to G substitution at nucleotide position 2063. The leucine at codon 688 is replaced by arginine, an amino acid with dissimilar properties. This variant was reported in individual(s) with features consistent with RB1-related retinoblastoma (Abouzeid H et al. Mol Vis, 2007 Sep;13:1740-5; Ambry internal data). This amino acid position is highly conserved in available vertebrate species. In addition, this alteration is predicted to be deleterious by in silico analysis. This variant is considered to be rare based on population cohorts in the Genome Aggregation Database (gnomAD). Based on the supporting evidence, this variant is interpreted as a disease-causing mutation.

Literature cited by the submitters: PubMed 17960112.

NM_000321.3(RB1):c.2063T>G (p.Leu688Arg)

Gene: RB1 (RB transcriptional corepressor 1; plus strand). Cytogenetic location: 13q14.2.
Variant type: single nucleotide variant.
Coding change: c.2063T>G on transcript NM_000321.3 (MANE Select); coding-DNA position 2063, T replaced by G.
Protein change: p.Leu688Arg; replaces leucine 688 with arginine.
Molecular consequence: missense variant.
Genome position (GRCh38, 1-based): chr13:48,459,790, T>G. VCF-style: chr13-48459790-T-G. GRCh37 (hg19) VCF-style: chr13-49033926-T-G.
Other names: c.2063T>G, p.Leu688Arg (NM_001407165.1); short protein forms L688R.
Identifiers: ClinVar variation 4824136 (VCV004824136.1).